The following is an entry in ClinVar:

ClinVar aggregate classification (germline): Likely pathogenic (1 of 4 stars; one submission).

Conditions:
Complement component 7 deficiency (C7D). Also called: C7 DEFICIENCY. Identifiers: MedGen C1864694, MONDO:0012412, OMIM 610102.

gnomAD v4.1: 2 of 1,545,530 alleles (0.00013%); highest among the groups gnomAD compares: East Asian, 0.0046%; no homozygotes.

Submission:

Juno Genomics, Hangzhou Juno Genomics, Inc
Classification: Likely pathogenic for Complement component 7 deficiency. Review status: criteria provided, single submitter. Criteria: ACMG Guidelines, 2015. Collection method: clinical testing. Allele origin: germline.
Comment: Null variant in a gene where loss of function (LOF) is a known mechanism of disease.;Absent from controls (or at extremely low frequency if recessive) in Genome Aggregation Database.

NM_000587.4(C7):c.6+2T>G

Gene: C7 (complement C7; plus strand). Cytogenetic location: 5p13.1.
Variant type: single nucleotide variant.
Coding change: c.6+2T>G on transcript NM_000587.4 (MANE Select); the canonical splice donor site of the intron after coding-DNA position 6, T replaced by G.
Molecular consequence: splice donor variant.
Genome position (GRCh38, 1-based): chr5:40,909,618, T>G. VCF-style: chr5-40909618-T-G. GRCh37 (hg19) VCF-style: chr5-40909720-T-G.
Identifiers: ClinVar variation 5006897 (VCV005006897.2).